The following is an entry in ClinVar:

NM_000059.4(BRCA2):c.8337del (p.Ala2780fs)

Gene: BRCA2 (BRCA2 DNA repair associated; plus strand). Cytogenetic location: 13q13.1.
Variant type: Deletion.
Coding change: c.8337del on transcript NM_000059.4 (MANE Select); coding-DNA position 8337, one base deleted (T; older notation c.8337delT).
Protein change: p.Ala2780fs; shifts the reading frame from alanine 2780.
Molecular consequence: frameshift variant.
Genome position (GRCh38, 1-based): chr13:32,370,407, T deleted. VCF-style (leftmost placement, unchanged base first): chr13-32370406-CT-C. GRCh37 (hg19) VCF-style: chr13-32944543-CT-C.
Other names: c.8241delT, p.Ala2748Leufs (NM_001406719.1); c.8337delT, p.Ala2780Leufs (NM_001406720.1); c.3405delT, p.Ala1136Leufs (NM_001406721.1); c.1920delT, p.Ala641Leufs (NM_001406722.1); short protein forms A2780fs.
Identifiers: ClinVar variation 1762975 (VCV001762975.4), dbSNP rs2548549956, ClinGen allele CA2580087349.

ClinVar aggregate classification (germline): Pathogenic/Likely pathogenic. Review status: criteria provided, multiple submitters, no conflicts (2 of 4 stars). 2 submissions from 2 submitters: Pathogenic (1); Likely pathogenic (1). Last evaluated 2025-07-02.

Conditions:
Hereditary cancer-predisposing syndrome. Also called: Neoplastic Syndromes, Hereditary; Tumor predisposition; Hereditary Cancer Syndrome; Hereditary neoplastic syndrome. Identifiers: Orphanet 140162, MedGen C0027672, MeSH D009386, MONDO:0015356.
Familial cancer of breast. Also called: hereditary breast carcinoma; BREAST CANCER, FAMILIAL; Hereditary breast cancer. Identifiers: Orphanet 227535, MedGen C0346153, MONDO:0016419, OMIM 114480. Disease mechanism: loss of function.

Submissions (2):

Ambry Genetics
Classification: Pathogenic for Hereditary cancer-predisposing syndrome. Last evaluated: 2025-07-02. Review status: criteria provided, single submitter. Criteria: Ambry Variant Classification Scheme 2023. Collection method: clinical testing. Allele origin: germline.
Comment: The c.8337delT pathogenic mutation, located in coding exon 18 of the BRCA2 gene, results from a deletion of one nucleotide at nucleotide position 8337, causing a translational frameshift with a predicted alternate stop codon (p.A2780Lfs*41). This variant is considered to be rare based on population cohorts in the Genome Aggregation Database (gnomAD). This alteration is expected to result in loss of function by premature protein truncation or nonsense-mediated mRNA decay. As such, this alteration is interpreted as a disease-causing mutation.

Baylor Genetics
Classification: Likely pathogenic for Familial cancer of breast. Last evaluated: 2022-10-20. Review status: criteria provided, single submitter. Criteria: ACMG Guidelines, 2015. Collection method: clinical testing. Allele origin: unknown.